The following is an entry in ClinVar:

NM_031407.7(HUWE1):c.9452G>A (p.Gly3151Asp)

Gene: HUWE1 (HECT, UBA and WWE domain containing E3 ubiquitin protein ligase 1; minus strand). Cytogenetic location: Xp11.22.
Variant type: single nucleotide variant.
Coding change: c.9452G>A on transcript NM_031407.7 (MANE Select); coding-DNA position 9452, G replaced by A.
Protein change: p.Gly3151Asp; replaces glycine 3151 with aspartic acid.
Molecular consequence: missense variant.
Genome position (GRCh38, 1-based): chrX:53,550,702, C>T on the plus strand (G>A on the coding strand, the complement: HUWE1 is on the minus strand). VCF-style: chrX-53550702-C-T. GRCh37 (hg19) VCF-style: chrX-53577663-C-T.
Other names: NC_000023.10:g.53577663C>T; short protein forms G3151D.
Identifiers: ClinVar variation 3372154 (VCV003372154.2).

ClinVar aggregate classification (germline): Uncertain significance (1 of 4 stars; one submission).

Submissions (2):

GeneDx
Classification: Uncertain significance. Last evaluated: 2024-04-12. Review status: criteria provided, single submitter. Criteria: GeneDx Variant Classification Process June 2021. Collection method: clinical testing. Allele origin: germline. Affected: yes.
Comment: Not observed at significant frequency in large population cohorts (gnomAD); In silico analysis indicates that this missense variant does not alter protein structure/function; Has not been previously published as pathogenic or benign to our knowledge

Dr. Peter K. Rogan Lab, Western University
No classification provided (evidence only). Condition: Thyroid cancer, nonmedullary, 1. Review status: no classification provided. Collection method: in vitro. Allele origin: not applicable. Functional consequence: retained intron. Not counted in ClinVar's aggregate classification.